The following is an entry in ClinVar:

ClinVar aggregate classification (germline): Likely benign (0 of 4 stars; one submission).

Conditions:
PFKM-related disorder. Also called: PFKM-related condition.

Allele frequency attached by ClinVar (database versions not stated): gnomAD exomes below 0.00001; TOPMed below 0.00001; ExAC 0.00001; gnomAD 0.00001.
gnomAD v4.1: 6 of 1,611,596 alleles (0.00037%); highest among the groups gnomAD compares: South Asian, 0.0022%; no homozygotes.

Submission:

PreventionGenetics, part of Exact Sciences
Classification: Likely benign for PFKM-related condition. Last evaluated: 2020-09-02. Review status: no assertion criteria provided. Collection method: clinical testing. Allele origin: germline.
Comment: This variant is classified as likely benign based on ACMG/AMP sequence variant interpretation guidelines (Richards et al. 2015 PMID: 25741868, with internal and published modifications).

NM_000289.6(PFKM):c.744C>T (p.Ser248=)

Gene: PFKM (phosphofructokinase, muscle; plus strand). Cytogenetic location: 12q13.11.
Variant type: single nucleotide variant.
Coding change: c.744C>T on transcript NM_000289.6 (MANE Select); coding-DNA position 744, C replaced by T.
Protein change: p.Ser248=; no amino-acid change (serine 248 retained).
Molecular consequence: synonymous variant. On other transcripts: non-coding transcript variant (6).
Genome position (GRCh38, 1-based): chr12:48,134,826, C>T. VCF-style: chr12-48134826-C-T. GRCh37 (hg19) VCF-style: chr12-48528609-C-T.
Other names: c.957C>T, p.Ser319= (NM_001166686.2, NM_001354737.1, NM_001354738.1 and 1 more transcripts); c.744C>T, p.Ser248= (NM_001166687.2, NM_001166688.2, NM_001354742.2 and 4 more transcripts); c.1053C>T, p.Ser351= (NM_001354735.1, NM_001354736.1); c.888C>T, p.Ser296= (NM_001354740.1); c.768C>T, p.Ser256= (NM_001354741.2); c.657C>T, p.Ser219= (NM_001354745.2); c.594C>T, p.Ser198= (NM_001354747.2, NM_001354748.2).
Identifiers: ClinVar variation 3032613 (VCV003032613.2), dbSNP rs747669911, ClinGen allele CA6537088.